The following is an entry in ClinVar:

NM_007129.5(ZIC2):c.208T>C (p.Ser70Pro)

Gene: ZIC2 (Zic family member 2; plus strand). Cytogenetic location: 13q32.3.
Variant type: single nucleotide variant.
Coding change: c.208T>C on transcript NM_007129.5 (MANE Select); coding-DNA position 208, T replaced by C.
Protein change: p.Ser70Pro; replaces serine 70 with proline.
Molecular consequence: missense variant.
Genome position (GRCh38, 1-based): chr13:99,982,272, T>C. VCF-style: chr13-99982272-T-C. GRCh37 (hg19) VCF-style: chr13-100634526-T-C.
Other names: short protein forms S70P.
Identifiers: ClinVar variation 1690986 (VCV001690986.2), dbSNP rs1227574680, ClinGen allele CA388636790.

ClinVar aggregate classification (germline): Uncertain significance (1 of 4 stars; one submission).

Submission:

Laboratorio de Genetica e Diagnostico Molecular, Hospital Israelita Albert Einstein
Classification: Uncertain significance. Last evaluated: 2020-11-29. Review status: criteria provided, single submitter. Criteria: ACMG Guidelines, 2015. Collection method: clinical testing. Allele origin: germline. Affected: yes.
Comment: ACMG classification criteria: PM2, BP4